The following is an entry in ClinVar:

ClinVar aggregate classification (germline): Pathogenic. Review status: criteria provided, multiple submitters, no conflicts (2 of 4 stars). 3 submissions from 3 submitters: Pathogenic (3). Last evaluated 2025-09-08.

Conditions:
Breast-ovarian cancer, familial, susceptibility to, 2 (BROVCA2). Also called: BRCA2 Hereditary Breast and Ovarian Cancer. Identifiers: Orphanet 145, MedGen C2675520, MONDO:0012933, OMIM 612555. Disease mechanism: loss of function.
Hereditary breast ovarian cancer syndrome. Also called: BRCA1- and BRCA2-Associated Hereditary Breast and Ovarian Cancer; Hereditary breast and ovarian cancer; Hereditary breast and ovarian cancer syndrome (HBOC); Breast and ovarian cancer; Hereditary breast and/or ovarian cancer syndrome; Hereditary breast and ovarian cancer syndrome. Identifiers: Orphanet 145, MedGen C0677776, MeSH D061325, MONDO:0003582. Disease mechanism: loss of function.

Submissions (3):

Dasa
Classification: Pathogenic for Breast-ovarian cancer, familial, susceptibility to, 2. Last evaluated: 2025-09-08. Review status: criteria provided, single submitter. Criteria: DASA Assertion Criteria. Collection method: clinical testing. Allele origin: germline.
Comment: NM_000059.4(BRCA2):c.161dup (p.Asn54Lysfs*10) introduces a premature termination codon predicted to result in loss of normal protein function. Loss-of-function is an established mechanism of disease for this gene. Segregation evidence has been reported in affected families. This variant has been recurrently observed in individuals with Breast-ovarian cancer, familial, susceptibility to, 2 (PMID: 29707112; PMID: 20652400; PMID: 30553478; PMID: 18363094; PMID: 17513806). The variant is present at low frequency in population datasets. Based on the available data, this variant is classified as pathogenic.

GeneDx
Classification: Pathogenic. Last evaluated: 2018-04-02. Review status: criteria provided, single submitter. Criteria: GeneDx Variant Classification (06012015). Collection method: clinical testing. Allele origin: germline. Affected: yes.
Comment: This duplication of one nucleotide in BRCA2 is denoted c.161dupA at the cDNA level and p.Asn54LysfsX10 (N54KfsX10) at the protein level. Using alternate nomenclature this variant would be defined as BRCA2 389dupA. The normal sequence, with the base that is duplicated in brackets, is TAAAA[dupA]CAAC. The duplication causes a frameshift which changes an Asparagine to a Lysine at codon 54, and creates a premature stop codon at position 10 of the new reading frame. Although this variant has not, to our knowledge, been reported in the literature, it is predicted to cause loss of normal protein function through either protein truncation or nonsense-mediated mRNA decay. We consider this variant to be pathogenic.

Labcorp Genetics (formerly Invitae), Labcorp
Classification: Pathogenic for Hereditary breast ovarian cancer syndrome. Last evaluated: 2017-10-28. Review status: criteria provided, single submitter. Criteria: Invitae Variant Classification Sherloc (09022015). Collection method: clinical testing. Allele origin: germline.
Comment: This sequence change creates a premature translational stop signal (p.Asn54Lysfs*10) in the BRCA2 gene. It is expected to result in an absent or disrupted protein product. This variant is not present in population databases (ExAC no frequency). This variant has not been reported in the literature in individuals with BRCA2-related disease. Loss-of-function variants in BRCA2 are known to be pathogenic (PMID: 20104584). For these reasons, this variant has been classified as Pathogenic.

Literature cited by the submitters: PubMed 29707112 (cited by Dasa); PubMed 20652400 (cited by Dasa); PubMed 30553478 (cited by Dasa); PubMed 18363094 (cited by Dasa); PubMed 17513806 (cited by Dasa); PubMed 16088935 (cited by Dasa); PubMed 27303907 (cited by Dasa); PubMed 29446198 (cited by Dasa); PubMed 20104584 (cited by Labcorp Genetics (formerly Invitae), Labcorp).

NM_000059.4(BRCA2):c.161dup (p.Asn54fs)

Gene: BRCA2 (BRCA2 DNA repair associated; plus strand). Cytogenetic location: 13q13.1.
Variant type: Duplication.
Coding change: c.161dup on transcript NM_000059.4 (MANE Select); coding-DNA position 161, one base duplicated (A; older notation c.161dupA).
Protein change: p.Asn54fs; shifts the reading frame from asparagine 54.
Molecular consequence: frameshift variant.
Genome position (GRCh38, 1-based): chr13:32,319,170, A duplicated; the last of 5 consecutive A bases (chr13:32,319,166-32,319,170); duplicating any one gives the same sequence. VCF-style (leftmost placement, unchanged base first): chr13-32319165-T-TA. GRCh37 (hg19) VCF-style: chr13-32893302-T-TA.
Other names: c.161dupA (NM_000059.3); short protein forms N54fs.
Identifiers: ClinVar variation 531375 (VCV000531375.9), dbSNP rs878853297, ClinGen allele CA658798083.
Genomic context (GRCh38, chr13:32,319,165, plus strand): 5'-TGAAGAACTTTCTTCAGAAGCTCCACCCTATAATTCTGAACCTGCAGAAGAATCTGAACA[T>TA]AAAAACAACAATTACGAACCAAACCTATTTAAAACTCCACAAAGGAAACCATCTTATAAT-3'